The following is an entry in ClinVar:

NM_000081.4(LYST):c.1530G>A (p.Met510Ile)

Gene: LYST (lysosomal trafficking regulator; minus strand). Cytogenetic location: 1q42.3.
Variant type: single nucleotide variant.
Coding change: c.1530G>A on transcript NM_000081.4 (MANE Select); coding-DNA position 1530, G replaced by A.
Protein change: p.Met510Ile; replaces methionine 510 with isoleucine.
Molecular consequence: missense variant.
Genome position (GRCh38, 1-based): chr1:235,809,288, C>T on the plus strand (G>A on the coding strand, the complement: LYST is on the minus strand). VCF-style: chr1-235809288-C-T. GRCh37 (hg19) VCF-style: chr1-235972588-C-T.
Other names: c.1530G>A, p.Met510Ile (NM_001301365.1); short protein forms M510I.
Identifiers: ClinVar variation 1477028 (VCV001477028.3), dbSNP rs767997947, ClinGen allele CA1467456.

ClinVar aggregate classification (germline): Uncertain significance (1 of 4 stars; one submission).

Conditions:
Chédiak-Higashi syndrome (CHS). Also called: Chediak-Higashi Syndrome. Identifiers: Orphanet 167, MedGen C0007965, MONDO:0008963, OMIM 214500.

Allele frequency attached by ClinVar (database versions not stated): gnomAD exomes below 0.00001; TOPMed below 0.00001; ExAC 0.00001.
gnomAD v4.1: 5 of 1,614,026 alleles (0.00031%); highest among the groups gnomAD compares: Admixed American, 0.0067%; no homozygotes.

Submission:

Labcorp Genetics (formerly Invitae), Labcorp
Classification: Uncertain significance for Chédiak-Higashi syndrome. Last evaluated: 2022-08-16. Review status: criteria provided, single submitter. Criteria: Invitae Variant Classification Sherloc (09022015). Collection method: clinical testing. Allele origin: germline.
Comment: This sequence change replaces methionine, which is neutral and non-polar, with isoleucine, which is neutral and non-polar, at codon 510 of the LYST protein (p.Met510Ile). This variant is present in population databases (rs767997947, gnomAD 0.01%). This variant has not been reported in the literature in individuals affected with LYST-related conditions. ClinVar contains an entry for this variant (Variation ID: 1477028). Algorithms developed to predict the effect of missense changes on protein structure and function (SIFT, PolyPhen-2, Align-GVGD) all suggest that this variant is likely to be tolerated. In summary, the available evidence is currently insufficient to determine the role of this variant in disease. Therefore, it has been classified as a Variant of Uncertain Significance.